The following is an entry in ClinVar:

NM_001433705.1(NLRP5):c.3399C>T (p.Asp1133=)

Gene: NLRP5 (NLR family pyrin domain containing 5; plus strand). Cytogenetic location: 19q13.43.
Variant type: single nucleotide variant.
Coding change: c.3399C>T on transcript NM_001433705.1 (MANE Select); coding-DNA position 3399, C replaced by T.
Protein change: p.Asp1133=; no amino-acid change (aspartic acid 1133 retained).
Molecular consequence: synonymous variant.
Genome position (GRCh38, 1-based): chr19:56,061,477, C>T. VCF-style: chr19-56061477-C-T. GRCh37 (hg19) VCF-style: chr19-56572843-C-T.
Other names: NM_153447.4:c.3552C>T.
Identifiers: ClinVar variation 707857 (VCV000707857.28), dbSNP rs184225023, ClinGen allele CA9686338.

ClinVar aggregate classification (germline): Benign/Likely benign. Review status: criteria provided, multiple submitters, no conflicts (2 of 4 stars). 2 submissions from 2 submitters: Benign (1); Likely benign (1). Last evaluated 2022-07-01.

Allele frequency attached by ClinVar (database versions not stated): ESP Exome Variant Server 0.00033; ExAC 0.00038; gnomAD exomes 0.00041; gnomAD 0.00068 and 0.00070; 1000 Genomes Project 0.00080; TOPMed 0.00092; 1000 Genomes Project 30x 0.00109.
gnomAD v4.1: 798 of 1,613,964 alleles (0.049%); highest among the groups gnomAD compares: Middle Eastern, 0.13%; no homozygotes.

Submissions (2):

CeGaT Center for Human Genetics Tuebingen
Classification: Benign. Last evaluated: 2022-07-01. Review status: criteria provided, single submitter. Criteria: CeGaT Center For Human Genetics Tuebingen Variant Classification Criteria Version 2. Collection method: clinical testing. Allele origin: germline. Affected: yes. Observed: 1 variant allele.
Comment: NLRP5: BS1, BS2

Labcorp Genetics (formerly Invitae), Labcorp
Classification: Likely benign. Last evaluated: 2019-12-31. Review status: criteria provided, single submitter. Criteria: Invitae Variant Classification Sherloc (09022015). Collection method: clinical testing. Allele origin: germline.